The following is an entry in ClinVar:

NM_021625.5(TRPV4):c.1250C>T (p.Ser417Leu)

Gene: TRPV4 (transient receptor potential cation channel subfamily V member 4; minus strand). Cytogenetic location: 12q24.11.
Variant type: single nucleotide variant.
Coding change: c.1250C>T on transcript NM_021625.5 (MANE Select); coding-DNA position 1250, C replaced by T.
Protein change: p.Ser417Leu; replaces serine 417 with leucine.
Molecular consequence: missense variant. On other transcripts: intron variant (2).
Genome position (GRCh38, 1-based): chr12:109,796,607, G>A on the plus strand (C>T on the coding strand, the complement: TRPV4 is on the minus strand). VCF-style: chr12-109796607-G-A. GRCh37 (hg19) VCF-style: chr12-110234412-G-A.
Other names: c.1109C>T, p.Ser370Leu (NM_001177428.2); c.1148C>T, p.Ser383Leu (NM_001177431.2); c.1011+2007C>T (NM_001177433.1); c.1152+2007C>T (NM_147204.2); short protein forms S370L, S383L, S417L.
Identifiers: ClinVar variation 4534949 (VCV004534949.6).

ClinVar aggregate classification (germline): Uncertain significance (1 of 4 stars; one submission).

gnomAD v4.1: 7 of 1,614,068 alleles (0.00043%); highest among the groups gnomAD compares: South Asian, 0.0022%; no homozygotes.

Submission:

CeGaT Center for Human Genetics Tuebingen
Classification: Uncertain significance. Last evaluated: 2025-10-01. Review status: criteria provided, single submitter. Criteria: CeGaT Center For Human Genetics Tuebingen Variant Classification Criteria Version 2. Collection method: clinical testing. Allele origin: germline. Affected: yes. Observed: 1 variant allele.
Comment: TRPV4: PP2, PP3